The following is an entry in ClinVar:

NM_031935.3(HMCN1):c.8599G>C (p.Val2867Leu)

Gene: HMCN1 (hemicentin 1; plus strand). Cytogenetic location: 1q31.1.
Variant type: single nucleotide variant.
Coding change: c.8599G>C on transcript NM_031935.3 (MANE Select); coding-DNA position 8599, G replaced by C.
Protein change: p.Val2867Leu; replaces valine 2867 with leucine.
Molecular consequence: missense variant.
Genome position (GRCh38, 1-based): chr1:186,078,220, G>C. VCF-style: chr1-186078220-G-C. GRCh37 (hg19) VCF-style: chr1-186047352-G-C.
Other names: short protein forms V2867L.
Identifiers: ClinVar variation 1514944 (VCV001514944.6), dbSNP rs772584982, ClinGen allele CA1293167.

ClinVar aggregate classification (germline): Uncertain significance (1 of 4 stars; one submission).

gnomAD v4.1: 17 of 1,597,030 alleles (0.0011%); highest among the groups gnomAD compares: Admixed American, 0.027%; no homozygotes.

Submission:

Labcorp Genetics (formerly Invitae), Labcorp
Classification: Uncertain significance. Last evaluated: 2022-08-22. Review status: criteria provided, single submitter. Criteria: Invitae Variant Classification Sherloc (09022015). Collection method: clinical testing. Allele origin: germline.
Comment: Algorithms developed to predict the effect of missense changes on protein structure and function output the following: SIFT: "Tolerated"; PolyPhen-2: "Benign"; Align-GVGD: "Class C0". The leucine amino acid residue is found in multiple mammalian species, which suggests that this missense change does not adversely affect protein function. ClinVar contains an entry for this variant (Variation ID: 1514944). This variant has not been reported in the literature in individuals affected with HMCN1-related conditions. This variant is present in population databases (rs772584982, gnomAD 0.04%), and has an allele count higher than expected for a pathogenic variant. This sequence change replaces valine, which is neutral and non-polar, with leucine, which is neutral and non-polar, at codon 2867 of the HMCN1 protein (p.Val2867Leu). This variant also falls at the last nucleotide of exon 55, which is part of the consensus splice site for this exon. Variants that disrupt the consensus splice site are a relatively common cause of aberrant splicing (PMID: 17576681, 9536098). Algorithms developed to predict the effect of sequence changes on RNA splicing suggest that this variant may disrupt the consensus splice site. In summary, the available evidence is currently insufficient to determine the role of this variant in disease. Therefore, it has been classified as a Variant of Uncertain Significance.

Literature cited by the submitters: PubMed 17576681; PubMed 9536098.